The following is an entry in ClinVar:

ClinVar aggregate classification (germline): Uncertain significance (1 of 4 stars; one submission).

Conditions:
Hereditary breast ovarian cancer syndrome. Also called: Hereditary breast and ovarian cancer syndrome; Hereditary breast and ovarian cancer; Hereditary breast and ovarian cancer syndrome (HBOC); Breast and ovarian cancer; Hereditary breast and/or ovarian cancer syndrome; BRCA1- and BRCA2-Associated Hereditary Breast and Ovarian Cancer. Identifiers: Orphanet 145, MedGen C0677776, MeSH D061325, MONDO:0003582. Disease mechanism: loss of function.

Submission:

Labcorp Genetics (formerly Invitae), Labcorp
Classification: Uncertain significance for Hereditary breast ovarian cancer syndrome. Last evaluated: 2023-10-22. Review status: criteria provided, single submitter. Criteria: Invitae Variant Classification Sherloc (09022015). Collection method: clinical testing. Allele origin: unknown.
Comment: This variant results in a copy number gain of the genomic region encompassing exon(s) 16-19 of the BRCA1 gene. While the exact position of this variant cannot be determined from the data, sub-genic copy number gains are generally in tandem (PMID: 25640679). This variant is predicted to be in-frame, and likely preserves the integrity of the reading frame. This variant has not been reported in the literature in individuals affected with BRCA1-related conditions. Experimental studies and prediction algorithms are not available or were not evaluated, and the functional significance of this variant is currently unknown. This variant disrupts the BRCT domain, which is important for DNA repair activity (PMID: 11573086, 14576433, 15133503, 25652403). While functional studies have not been performed to directly test the effect of this variant on BRCA1 protein function, this suggests that disruption of this region of the protein is causative of disease. In summary, the available evidence is currently insufficient to determine the role of this variant in disease. Therefore, it has been classified as a Variant of Uncertain Significance.

Literature cited by the submitters: PubMed 25640679; PubMed 11573086; PubMed 14576433; PubMed 15133503; PubMed 25652403.

NC_000017.10:g.(?_41209048)_(41219732_?)dup

Gene: BRCA1 (BRCA1 DNA repair associated; minus strand). Cytogenetic location: 17q21.31.
Variant type: Duplication.
Identifiers: ClinVar variation 3243005 (VCV003243005.1).